The following is an entry in ClinVar:

ClinVar aggregate classification (germline): Uncertain significance (1 of 4 stars; one submission).

Conditions:
SIM1-related disorder. Also called: SIM1-related condition; SIM1-related disorders.

gnomAD v4.1: 1 of 1,614,198 alleles (0.000062%); highest among the groups gnomAD compares: Non-Finnish European, 0.000085%; no homozygotes.

Submission:

PreventionGenetics, part of Exact Sciences
Classification: Uncertain significance for SIM1-related condition. Last evaluated: 2024-12-13. Review status: criteria provided, single submitter. Criteria: ACMG Guidelines, 2015. Collection method: clinical testing. Allele origin: germline.
Comment: The SIM1 c.2023A>G variant is predicted to result in the amino acid substitution p.Lys675Glu. To our knowledge, this variant has not been reported in the literature or in a large population database, indicating this variant is rare. At this time, the clinical significance of this variant is uncertain due to the absence of conclusive functional and genetic evidence.

NM_005068.3(SIM1):c.2023A>G (p.Lys675Glu)

Gene: SIM1 (SIM bHLH transcription factor 1; minus strand). Cytogenetic location: 6q16.3.
Variant type: single nucleotide variant.
Coding change: c.2023A>G on transcript NM_005068.3 (MANE Select); coding-DNA position 2023, A replaced by G.
Protein change: p.Lys675Glu; replaces lysine 675 with glutamic acid.
Molecular consequence: missense variant.
Genome position (GRCh38, 1-based): chr6:100,390,639, T>C on the plus strand (A>G on the coding strand, the complement: SIM1 is on the minus strand). VCF-style: chr6-100390639-T-C. GRCh37 (hg19) VCF-style: chr6-100838515-T-C.
Other names: c.2023A>G, p.Lys675Glu (NM_001374769.1); short protein forms K675E.
Identifiers: ClinVar variation 3349258 (VCV003349258.2).